The following is an entry in ClinVar:

NC_000005.9:g.(?_89910632)_(90002231_?)del

Gene: ADGRV1 (adhesion G protein-coupled receptor V1; plus strand). Cytogenetic location: 5q14.3.
Variant type: Deletion.
Identifiers: ClinVar variation 2427012 (VCV002427012.4).

ClinVar aggregate classification (germline): Pathogenic (1 of 4 stars; one submission).

Submission:

Labcorp Genetics (formerly Invitae), Labcorp
Classification: Pathogenic. Last evaluated: 2022-08-25. Review status: criteria provided, single submitter. Criteria: Invitae Variant Classification Sherloc (09022015). Collection method: clinical testing. Allele origin: germline.
Comment: This variant is a gross deletion of the genomic region encompassing exon(s) 2-38 of the ADGRV1 gene. This deletion is out-of-frame, and is expected to create a premature termination codon and result in an absent or disrupted protein product. Loss-of-function variants in ADGRV1 are known to be pathogenic (PMID: 19357117, 22135276, 22147658, 26226137, 30718709, 31047384, 32467589). This variant has not been reported in the literature in individuals affected with ADGRV1-related conditions. For these reasons, this variant has been classified as Pathogenic.

Literature cited by the submitters: PubMed 19357117; PubMed 22135276; PubMed 22147658; PubMed 26226137; PubMed 30718709; PubMed 31047384; PubMed 32467589.